The following is an entry in ClinVar:

NM_203486.3(DLL3):c.621C>A (p.Cys207Ter)

Genes: DLL3 (delta like canonical Notch ligand 3; plus strand), LOC130064417 (ATAC-STARR-seq lymphoblastoid silent region 10608; plus strand). Cytogenetic location: 19q13.2.
Variant type: single nucleotide variant.
Coding change: c.621C>A on transcript NM_203486.3 (MANE Select); coding-DNA position 621, C replaced by A.
Protein change: p.Cys207Ter; replaces cysteine 207 with a stop codon.
Molecular consequence: nonsense.
Genome position (GRCh38, 1-based): chr19:39,503,026, C>A. VCF-style: chr19-39503026-C-A. GRCh37 (hg19) VCF-style: chr19-39993666-C-A.
Other names: c.621C>A, p.Cys207Ter (NM_016941.4); short protein forms C207*.
Identifiers: ClinVar variation 419705 (VCV000419705.14), dbSNP rs771875570, ClinGen allele CA9432222.
Genomic context (GRCh38, chr19:39,503,026, plus strand): 5'-CACGCGCCTCTGCCGTCCGCGCAGCGCCCCCTCGCGGTGCGGTCCGGGACTGCGCCCCTG[C>A]GCACCGCTCGAGGACGAATGTGAGGCGCCGCGTGAGTCCTGCGTTCGACCCCACCCCGTC-3'

ClinVar aggregate classification (germline): Pathogenic/Likely pathogenic. Review status: criteria provided, multiple submitters, no conflicts (2 of 4 stars). 3 submissions from 3 submitters: Pathogenic (2); Likely pathogenic (1). Last evaluated 2025-04-22.

Conditions:
Spondylocostal dysostosis 1, autosomal recessive (SCDO1). Also called: DLL3-Related Spondylocostal Dysostosis, Autosomal Recessive. Identifiers: Orphanet 2311, MedGen CN032975, MONDO:0020692, OMIM 277300.

Allele frequency attached by ClinVar (database versions not stated): TOPMed below 0.00001; gnomAD exomes 0.00001; ExAC 0.00010.

Submissions (3):

GeneDx
Classification: Pathogenic. Last evaluated: 2025-04-22. Review status: criteria provided, single submitter. Criteria: GeneDx Variant Classification Process June 2021. Collection method: clinical testing. Allele origin: germline. Affected: yes.
Comment: Nonsense variant predicted to result in protein truncation or nonsense mediated decay in a gene for which loss-of-function is a known mechanism of disease; Not observed at significant frequency in large population cohorts (gnomAD); This variant is associated with the following publications: (PMID: 25525159, 36506336, 12746394)

Labcorp Genetics (formerly Invitae), Labcorp
Classification: Pathogenic. Last evaluated: 2023-11-28. Review status: criteria provided, single submitter. Criteria: Invitae Variant Classification Sherloc (09022015). Collection method: clinical testing. Allele origin: germline.
Comment: This sequence change creates a premature translational stop signal (p.Cys207*) in the DLL3 gene. It is expected to result in an absent or disrupted protein product. Loss-of-function variants in DLL3 are known to be pathogenic (PMID: 12746394). The frequency data for this variant in the population databases is considered unreliable, as metrics indicate poor data quality at this position in the gnomAD database. This premature translational stop signal has been observed in individual(s) with DLL3-related conditions (PMID: 12746394). ClinVar contains an entry for this variant (Variation ID: 419705). For these reasons, this variant has been classified as Pathogenic.

Revvity Omics, Revvity
Classification: Likely pathogenic for Spondylocostal dysostosis 1, autosomal recessive. Last evaluated: 2021-02-05. Review status: criteria provided, single submitter. Criteria: ACMG Guidelines, 2015. Collection method: clinical testing. Allele origin: germline.

Literature cited by the submitters: PubMed 12746394 (cited by Labcorp Genetics (formerly Invitae), Labcorp).